The following is an entry in ClinVar:

NM_001384732.1(CPLANE1):c.5215A>G (p.Thr1739Ala)

Gene: CPLANE1 (ciliogenesis and planar polarity effector complex subunit 1; minus strand). Cytogenetic location: 5p13.2.
Variant type: single nucleotide variant.
Coding change: c.5215A>G on transcript NM_001384732.1 (MANE Select); coding-DNA position 5215, A replaced by G.
Protein change: p.Thr1739Ala; replaces threonine 1739 with alanine.
Molecular consequence: missense variant.
Genome position (GRCh38, 1-based): chr5:37,182,966, T>C on the plus strand (A>G on the coding strand, the complement: CPLANE1 is on the minus strand). VCF-style: chr5-37182966-T-C. GRCh37 (hg19) VCF-style: chr5-37183068-T-C.
Other names: c.5215A>G, p.Thr1739Ala (NM_023073.4); short protein forms T1739A.
Identifiers: ClinVar variation 2025706 (VCV002025706.4), dbSNP rs2547824198, ClinGen allele CA359493217.
Genomic context (GRCh38, chr5:37,182,966, plus strand): 5'-GTAGCCTTCTATTAGACCACCTTATCATCCATTCCAGCAGTCTTCCTATACTGCCAAAAG[T>C]GTTTAGTGCTAAAGGAAGATCTTCTTGAGGGTTAATATCATTGCACTGAATAGCTTTGAA-3'
Protein context (NP_001371661.1, residues 1729-1749): PQEDLPLALN[Thr1739Ala]FGSIGRLLEW

ClinVar aggregate classification (germline): Uncertain significance (1 of 4 stars; one submission).

gnomAD v4.1: 1 of 1,606,356 alleles (0.000062%); no homozygotes.

Submission:

Labcorp Genetics (formerly Invitae), Labcorp
Classification: Uncertain significance. Last evaluated: 2024-04-05. Review status: criteria provided, single submitter. Criteria: Invitae Variant Classification Sherloc (09022015). Collection method: clinical testing. Allele origin: germline.
Comment: This sequence change replaces threonine, which is neutral and polar, with alanine, which is neutral and non-polar, at codon 1739 of the CPLANE1 protein (p.Thr1739Ala). This variant is not present in population databases (gnomAD no frequency). This variant has not been reported in the literature in individuals affected with CPLANE1-related conditions. ClinVar contains an entry for this variant (Variation ID: 2025706). Advanced modeling of protein sequence and biophysical properties (such as structural, functional, and spatial information, amino acid conservation, physicochemical variation, residue mobility, and thermodynamic stability) performed at Invitae indicates that this missense variant is not expected to disrupt CPLANE1 protein function with a negative predictive value of 95%. In summary, the available evidence is currently insufficient to determine the role of this variant in disease. Therefore, it has been classified as a Variant of Uncertain Significance.